The following is an entry in ClinVar:

NM_033641.4(COL4A6):c.546T>A (p.Thr182=)

Gene: COL4A6 (collagen type IV alpha 6 chain; minus strand). Cytogenetic location: Xq22.3.
Variant type: single nucleotide variant.
Coding change: c.546T>A on transcript NM_033641.4 (MANE Select); coding-DNA position 546, T replaced by A.
Protein change: p.Thr182=; no amino-acid change (threonine 182 retained).
Molecular consequence: synonymous variant.
Genome position (GRCh38, 1-based): chrX:108,209,969, A>T on the plus strand (T>A on the coding strand, the complement: COL4A6 is on the minus strand). VCF-style: chrX-108209969-A-T. GRCh37 (hg19) VCF-style: chrX-107453199-A-T.
Other names: c.546T>A, p.Thr182= (NM_001287758.2, NM_001287759.2, NM_001287760.2); c.549T>A, p.Thr183= (NM_001847.4).
Identifiers: ClinVar variation 2021467 (VCV002021467.4), dbSNP rs774669351, ClinGen allele CA10488135.

ClinVar aggregate classification (germline): Uncertain significance (1 of 4 stars; one submission).

Allele frequency attached by ClinVar (database versions not stated): gnomAD exomes below 0.00001.
gnomAD v4.1: 2 of 1,210,033 alleles (0.00017%); highest among the groups gnomAD compares: Admixed American, 0.0044%; no homozygotes.

Submission:

Labcorp Genetics (formerly Invitae), Labcorp
Classification: Uncertain significance. Last evaluated: 2022-09-10. Review status: criteria provided, single submitter. Criteria: Invitae Variant Classification Sherloc (09022015). Collection method: clinical testing. Allele origin: germline.
Comment: In summary, the available evidence is currently insufficient to determine the role of this variant in disease. Therefore, it has been classified as a Variant of Uncertain Significance. Algorithms developed to predict the effect of sequence changes on RNA splicing suggest that this variant is not likely to affect RNA splicing. This variant has not been reported in the literature in individuals affected with COL4A6-related conditions. This variant is present in population databases (rs774669351, gnomAD 0.008%). This sequence change affects codon 183 of the COL4A6 mRNA. It is a 'silent' change, meaning that it does not change the encoded amino acid sequence of the COL4A6 protein. It affects a nucleotide within the consensus splice site.